The following is an entry in ClinVar:

NM_138370.3(PKDCC):c.1178G>A (p.Arg393Gln)

Gene: PKDCC (protein kinase domain containing, cytoplasmic; plus strand). Cytogenetic location: 2p21.
Variant type: single nucleotide variant.
Coding change: c.1178G>A on transcript NM_138370.3 (MANE Select); coding-DNA position 1178, G replaced by A.
Protein change: p.Arg393Gln; replaces arginine 393 with glutamine.
Molecular consequence: missense variant.
Genome position (GRCh38, 1-based): chr2:42,055,349, G>A. VCF-style: chr2-42055349-G-A. GRCh37 (hg19) VCF-style: chr2-42282489-G-A.
Other names: c.1178G>A (NM_138370.2); short protein forms R393Q.
Identifiers: ClinVar variation 1422016 (VCV001422016.6), dbSNP rs374556546, ClinGen allele CA1628164.
Genomic context (GRCh38, chr2:42,055,349, plus strand): 5'-AGCTCGCCTGGGGGGTGGACGAGACCCTGGCCCAGCTGGAGAAGGTGCTGCACCTGTACC[G>A]GAGCGGGCAGTATCTGCAGAACTCCACGGCAAGCAGCAGTACCGGTGAGTGGCCCCAAGC-3'
Protein context (NP_612379.2, residues 383-403): AQLEKVLHLY[Arg393Gln]SGQYLQNSTA

ClinVar aggregate classification (germline): Uncertain significance. Review status: criteria provided, multiple submitters, no conflicts (2 of 4 stars). 2 submissions from 2 submitters: Uncertain significance (2). Last evaluated 2025-08-03.

Conditions:
Inborn genetic diseases. Identifiers: MedGen C0950123, MeSH D030342.

Allele frequency attached by ClinVar (database versions not stated): gnomAD exomes 0.00001 and 0.00004; ExAC 0.00003; gnomAD 0.00007.
gnomAD v4.1: 34 of 1,613,588 alleles (0.0021%); highest among the groups gnomAD compares: African/African-American, 0.015%; no homozygotes.

Submissions (2):

Ambry Genetics
Classification: Uncertain significance for Inborn genetic diseases. Last evaluated: 2025-08-03. Review status: criteria provided, single submitter. Criteria: Ambry Variant Classification Scheme 2023. Collection method: clinical testing. Allele origin: germline.

Labcorp Genetics (formerly Invitae), Labcorp
Classification: Uncertain significance. Last evaluated: 2022-07-06. Review status: criteria provided, single submitter. Criteria: Invitae Variant Classification Sherloc (09022015). Collection method: clinical testing. Allele origin: germline.
Comment: ClinVar contains an entry for this variant (Variation ID: 1422016). In summary, the available evidence is currently insufficient to determine the role of this variant in disease. Therefore, it has been classified as a Variant of Uncertain Significance. Algorithms developed to predict the effect of sequence changes on RNA splicing suggest that this variant may create or strengthen a splice site. Algorithms developed to predict the effect of missense changes on protein structure and function output the following: SIFT: "Tolerated"; PolyPhen-2: "Benign"; Align-GVGD: "Class C0". The glutamine amino acid residue is found in multiple mammalian species, which suggests that this missense change does not adversely affect protein function. This variant has not been reported in the literature in individuals affected with PKDCC-related conditions. The frequency data for this variant in the population databases is considered unreliable, as metrics indicate poor data quality at this position in the gnomAD database. This sequence change replaces arginine, which is basic and polar, with glutamine, which is neutral and polar, at codon 393 of the PKDCC protein (p.Arg393Gln).